The following is an entry in ClinVar:

ClinVar aggregate classification (germline): Likely benign. Review status: criteria provided, multiple submitters, no conflicts (2 of 4 stars). 2 submissions from 2 submitters: Likely benign (2). Last evaluated 2025-03-31.

Conditions:
Chédiak-Higashi syndrome (CHS). Also called: Chediak-Higashi Syndrome. Identifiers: Orphanet 167, MedGen C0007965, MONDO:0008963, OMIM 214500.

Submissions (2):

Mayo Clinic Laboratories, Mayo Clinic
Classification: Likely benign. Last evaluated: 2025-03-31. Review status: criteria provided, single submitter. Criteria: ACMG Guidelines, 2015. Collection method: clinical testing. Allele origin: germline. Observed: 1 variant allele.
Comment: BP4, BP7

Labcorp Genetics (formerly Invitae), Labcorp
Classification: Likely benign for Chédiak-Higashi syndrome. Last evaluated: 2024-07-20. Review status: criteria provided, single submitter. Criteria: Invitae Variant Classification Sherloc (09022015). Collection method: clinical testing. Allele origin: germline.

NM_000081.4(LYST):c.8229G>A (p.Gln2743=)

Gene: LYST (lysosomal trafficking regulator; minus strand). Cytogenetic location: 1q42.3.
Variant type: single nucleotide variant.
Coding change: c.8229G>A on transcript NM_000081.4 (MANE Select); coding-DNA position 8229, G replaced by A.
Protein change: p.Gln2743=; no amino-acid change (glutamine 2743 retained).
Molecular consequence: synonymous variant.
Genome position (GRCh38, 1-based): chr1:235,741,551, C>T on the plus strand (G>A on the coding strand, the complement: LYST is on the minus strand). VCF-style: chr1-235741551-C-T. GRCh37 (hg19) VCF-style: chr1-235904851-C-T.
Other names: p.Gln2743=; c.8229G>A, p.Gln2743= (NM_001301365.1).
Identifiers: ClinVar variation 760804 (VCV000760804.6), dbSNP rs1572118809, ClinGen allele CA423772766.